The following is an entry in ClinVar:

ClinVar aggregate classification (germline): Pathogenic (1 of 4 stars; one submission).

Conditions:
Duchenne muscular dystrophy (DMD). Also called: MUSCULAR DYSTROPHY, PSEUDOHYPERTROPHIC PROGRESSIVE, DUCHENNE TYPE; Duchenne Muscular Dystrophy (DMD). Identifiers: Orphanet 98896, MedGen C0013264, MONDO:0010679, OMIM 310200.

Submission:

Labcorp Genetics (formerly Invitae), Labcorp
Classification: Pathogenic for Duchenne muscular dystrophy. Last evaluated: 2024-01-25. Review status: criteria provided, single submitter. Criteria: Invitae Variant Classification Sherloc (09022015). Collection method: clinical testing. Allele origin: unknown.
Comment: This variant results in a copy number gain of the genomic region encompassing exon(s) 14-21 of the DMD gene. While the exact position of this variant cannot be determined from the data, sub-genic copy number gains are generally in tandem (PMID: 25640679). This variant is predicted to be out-of-frame, and may result in an absent or disrupted protein product. Loss-of-function variants in DMD are known to be pathogenic (PMID: 16770791, 25007885). A similar copy number variant has been observed in individuals with Duchenne muscular dystrophy (PMID: 12111668, 21515508). For these reasons, this variant has been classified as Pathogenic.

Literature cited by the submitters: PubMed 25640679; PubMed 16770791; PubMed 25007885; PubMed 12111668; PubMed 21515508.

NC_000023.10:g.(?_32503016)_(32600728_?)dup

Gene: DMD (dystrophin; minus strand). Cytogenetic location: Xp21.1.
Variant type: Duplication.
Identifiers: ClinVar variation 3242843 (VCV003242843.1).